The following is an entry in ClinVar:

NM_000135.4(FANCA):c.2984C>A (p.Ser995Ter)

Gene: FANCA (FA complementation group A; minus strand). Cytogenetic location: 16q24.3.
Variant type: single nucleotide variant.
Coding change: c.2984C>A on transcript NM_000135.4 (MANE Select); coding-DNA position 2984, C replaced by A.
Protein change: p.Ser995Ter; replaces serine 995 with a stop codon.
Molecular consequence: nonsense.
Genome position (GRCh38, 1-based): chr16:89,752,220, G>T on the plus strand (C>A on the coding strand, the complement: FANCA is on the minus strand). VCF-style: chr16-89752220-G-T. GRCh37 (hg19) VCF-style: chr16-89818628-G-T.
Other names: c.2984C>A, p.Ser995Ter (NM_001286167.3); short protein forms S995*.
Identifiers: ClinVar variation 2054677 (VCV002054677.4), dbSNP rs746997654, ClinGen allele CA8251385.
Genomic context (GRCh38, chr16:89,752,220, plus strand): 5'-TCATTTCCTGTGCGGCCACCAAAGACCAAATCAGAATTTTCTGAGTGGTCATAACTCCTT[G>T]AGCTGAAATGAAAATACAATAAAATCCTCCTCAGTATCGCCTAATAGTGCTGAAGTTCCC-3'

ClinVar aggregate classification (germline): Pathogenic (1 of 4 stars; one submission).

Conditions:
Fanconi anemia (FA). Also called: Fanconi's anemia. Identifiers: Orphanet 84, MedGen C0015625, MeSH D005199, MONDO:0019391.

Allele frequency attached by ClinVar (database versions not stated): gnomAD exomes below 0.00001; ExAC 0.00001.
gnomAD v4.1: 1 of 1,612,884 alleles (0.000062%); no homozygotes.

Submission:

Labcorp Genetics (formerly Invitae), Labcorp
Classification: Pathogenic for Fanconi anemia. Last evaluated: 2023-09-20. Review status: criteria provided, single submitter. Criteria: Invitae Variant Classification Sherloc (09022015). Collection method: clinical testing. Allele origin: germline.
Comment: This sequence change creates a premature translational stop signal (p.Ser995*) in the FANCA gene. It is expected to result in an absent or disrupted protein product. Loss-of-function variants in FANCA are known to be pathogenic (PMID: 19367192). This variant is present in population databases (rs746997654, gnomAD 0.01%). This variant has not been reported in the literature in individuals affected with FANCA-related conditions. ClinVar contains an entry for this variant (Variation ID: 2054677). For these reasons, this variant has been classified as Pathogenic.

Literature cited by the submitters: PubMed 19367192.